The following is an entry in ClinVar:

NM_000096.4(CP):c.809T>C (p.Leu270Pro)

Gene: CP (ceruloplasmin; minus strand). Cytogenetic location: 3q25.1.
Variant type: single nucleotide variant.
Coding change: c.809T>C on transcript NM_000096.4 (MANE Select); coding-DNA position 809, T replaced by C.
Protein change: p.Leu270Pro; replaces leucine 270 with proline.
Molecular consequence: missense variant. On other transcripts: non-coding transcript variant (1).
Genome position (GRCh38, 1-based): chr3:149,207,590, A>G on the plus strand (T>C on the coding strand, the complement: CP is on the minus strand). VCF-style: chr3-149207590-A-G. GRCh37 (hg19) VCF-style: chr3-148925377-A-G.
Other names: short protein forms L270P.
Identifiers: ClinVar variation 962521 (VCV000962521.10), dbSNP rs760359106, ClinGen allele CA2661218.

ClinVar aggregate classification (germline): Uncertain significance. Review status: criteria provided, multiple submitters, no conflicts (2 of 4 stars). 2 submissions from 2 submitters: Uncertain significance (2). Last evaluated 2024-03-14.

Conditions:
Deficiency of ferroxidase (ACEP). Also called: NEURODEGENERATION WITH BRAIN IRON ACCUMULATION 10; Aceruloplasminemia; Ceruloplasmin deficiency; Familial apoceruloplasmin deficiency; Hereditary ceruloplasmin deficiency; Deficiency of ceruloplasmin. Identifiers: Orphanet 48818, MedGen C0878682, MONDO:0011426, OMIM 604290, HP:0025498.

Allele frequency attached by ClinVar (database versions not stated): gnomAD exomes below 0.00001 and 0.00001; ExAC 0.00001.
gnomAD v4.1: 13 of 1,613,986 alleles (0.00081%); highest among the groups gnomAD compares: Non-Finnish European, 0.001%; no homozygotes.

Submissions (2):

GeneDx
Classification: Uncertain significance. Last evaluated: 2024-03-14. Review status: criteria provided, single submitter. Criteria: GeneDx Variant Classification Process June 2021. Collection method: clinical testing. Allele origin: germline. Affected: yes.
Comment: Not observed at significant frequency in large population cohorts (gnomAD); In silico analysis supports that this missense variant has a deleterious effect on protein structure/function; Has not been previously published as pathogenic or benign to our knowledge

Labcorp Genetics (formerly Invitae), Labcorp
Classification: Uncertain significance for Deficiency of ferroxidase. Last evaluated: 2019-07-25. Review status: criteria provided, single submitter. Criteria: Invitae Variant Classification Sherloc (09022015). Collection method: clinical testing. Allele origin: germline.
Comment: In summary, the available evidence is currently insufficient to determine the role of this variant in disease. Therefore, it has been classified as a Variant of Uncertain Significance. Algorithms developed to predict the effect of missense changes on protein structure and function (SIFT, PolyPhen-2, Align-GVGD) all suggest that this variant is likely to be disruptive, but these predictions have not been confirmed by published functional studies and their clinical significance is uncertain. This variant has not been reported in the literature in individuals with CP-related conditions. This variant is present in population databases (rs760359106, ExAC 0.002%). This sequence change replaces leucine with proline at codon 270 of the CP protein (p.Leu270Pro). The leucine residue is highly conserved and there is a moderate physicochemical difference between leucine and proline.